The following is an entry in ClinVar:

ClinVar aggregate classification (germline): Uncertain significance (1 of 4 stars; one submission).

Conditions:
Cardiovascular phenotype. Identifiers: MedGen CN230736.

Submission:

Ambry Genetics
Classification: Uncertain significance for Cardiovascular phenotype. Last evaluated: 2025-05-24. Review status: criteria provided, single submitter. Criteria: Ambry Variant Classification Scheme 2023. Collection method: clinical testing. Allele origin: germline.
Comment: The p.F1465S variant (also known as c.4394T>C), located in coding exon 25 of the FLNC gene, results from a T to C substitution at nucleotide position 4394. The phenylalanine at codon 1465 is replaced by serine, an amino acid with highly dissimilar properties. This amino acid position is conserved. In addition, this alteration is predicted to be deleterious by in silico analysis. Based on the available evidence, the clinical significance of this variant remains unclear.

NM_001458.5(FLNC):c.4394T>C (p.Phe1465Ser)

Gene: FLNC (filamin C; plus strand). Cytogenetic location: 7q32.1.
Variant type: single nucleotide variant.
Coding change: c.4394T>C on transcript NM_001458.5 (MANE Select); coding-DNA position 4394, T replaced by C.
Protein change: p.Phe1465Ser; replaces phenylalanine 1465 with serine.
Molecular consequence: missense variant.
Genome position (GRCh38, 1-based): chr7:128,847,802, T>C. VCF-style: chr7-128847802-T-C. GRCh37 (hg19) VCF-style: chr7-128487856-T-C.
Other names: c.4394T>C, p.Phe1465Ser (NM_001127487.2); short protein forms F1465S.
Identifiers: ClinVar variation 4025635 (VCV004025635.1).